The following is an entry in ClinVar:

NM_001105206.3(LAMA4):c.5214A>C (p.Arg1738Ser)

Gene: LAMA4 (laminin subunit alpha 4; minus strand). Cytogenetic location: 6q21.
Variant type: single nucleotide variant.
Coding change: c.5214A>C on transcript NM_001105206.3 (MANE Select); coding-DNA position 5214, A replaced by C.
Protein change: p.Arg1738Ser; replaces arginine 1738 with serine.
Molecular consequence: missense variant.
Genome position (GRCh38, 1-based): chr6:112,114,188, T>G on the plus strand (A>C on the coding strand, the complement: LAMA4 is on the minus strand). VCF-style: chr6-112114188-T-G. GRCh37 (hg19) VCF-style: chr6-112435391-T-G.
Other names: c.5193A>C, p.Arg1731Ser (NM_001105207.3, NM_002290.5); short protein forms R1738S, R1731S.
Identifiers: ClinVar variation 2877301 (VCV002877301.3), dbSNP rs1777873055, ClinGen allele CA365364482.

ClinVar aggregate classification (germline): Uncertain significance (1 of 4 stars; one submission).

Conditions:
Dilated cardiomyopathy 1JJ (CMD1JJ). Identifiers: Orphanet 154, MedGen C3808935, MONDO:0014095, OMIM 615235.

Allele frequency attached by ClinVar (database versions not stated): gnomAD exomes below 0.00001; gnomAD 0.00001; TOPMed below 0.00001.
gnomAD v4.1: 3 of 1,613,770 alleles (0.00019%); highest among the groups gnomAD compares: African/African-American, 0.0013%; no homozygotes.

Submission:

Labcorp Genetics (formerly Invitae), Labcorp
Classification: Uncertain significance for Dilated cardiomyopathy 1JJ. Last evaluated: 2025-04-23. Review status: criteria provided, single submitter. Criteria: Invitae Variant Classification Sherloc (09022015). Collection method: clinical testing. Allele origin: germline.
Comment: This sequence change replaces arginine, which is basic and polar, with serine, which is neutral and polar, at codon 1731 of the LAMA4 protein (p.Arg1731Ser). This variant is not present in population databases (gnomAD no frequency). This variant has not been reported in the literature in individuals affected with LAMA4-related conditions. ClinVar contains an entry for this variant (Variation ID: 2877301). Invitae Evidence Modeling of protein sequence and biophysical properties (such as structural, functional, and spatial information, amino acid conservation, physicochemical variation, residue mobility, and thermodynamic stability) has been performed for this missense variant. However, the output from this modeling did not meet the statistical confidence thresholds required to predict the impact of this variant on LAMA4 protein function. In summary, the available evidence is currently insufficient to determine the role of this variant in disease. Therefore, it has been classified as a Variant of Uncertain Significance.